The following is an entry in ClinVar:

ClinVar aggregate classification (germline): Uncertain significance (1 of 4 stars; one submission).

Submission:

ISCA site 4
Classification: Uncertain significance. Last evaluated: 2011-08-12. Review status: criteria provided, single submitter. Criteria: Kaminsky et al. (Genet Med. 2011). Collection method: clinical testing. Allele origin: unknown. Affected: yes. Observed: 1 variant allele.
Comment: Copy number variation identified through the course of routine clinical cytogenomic testing in postnatal populations. Clinical assertions have been curated as described in Kaminsky et al. 2011.

GRCh38/hg38 7p22.3(chr7:170366-227833)x1

Genes: FAM20C (FAM20C golgi associated secretory pathway kinase; plus strand), LOC105375115 (uncharacterized LOC105375115; plus strand). Cytogenetic location: 7p22.3.
Variant type: copy number loss.
Change: copy number 1 (one copy instead of two) of chr7:170,366-227,833 (57.5 kb, GRCh38 coordinates, 1-based), cytogenetic band 7p22.3.
Identifiers: ClinVar variation 58862 (VCV000058862.1).